The following is an entry in ClinVar:

NM_182961.4(SYNE1):c.8389T>G (p.Ser2797Ala)

Gene: SYNE1 (spectrin repeat containing nuclear envelope protein 1; minus strand). Cytogenetic location: 6q25.2.
Variant type: single nucleotide variant.
Coding change: c.8389T>G on transcript NM_182961.4 (MANE Select); coding-DNA position 8389, T replaced by G.
Protein change: p.Ser2797Ala; replaces serine 2797 with alanine.
Molecular consequence: missense variant.
Genome position (GRCh38, 1-based): chr6:152,387,170, A>C on the plus strand (T>G on the coding strand, the complement: SYNE1 is on the minus strand). VCF-style: chr6-152387170-A-C. GRCh37 (hg19) VCF-style: chr6-152708305-A-C.
Other names: c.8410T>G, p.Ser2804Ala (NM_033071.5); short protein forms S2797A, S2804A.
Identifiers: ClinVar variation 1807209 (VCV001807209.6), dbSNP rs1209951739, ClinGen allele CA366146244.

ClinVar aggregate classification (germline): Uncertain significance. Review status: criteria provided, multiple submitters, no conflicts (2 of 4 stars). 2 submissions from 2 submitters: Uncertain significance (2). Last evaluated 2022-06-17.

Conditions:
Emery-Dreifuss muscular dystrophy 4, autosomal dominant (EDMD4). Also called: EMERY-DREIFUSS MUSCULAR DYSTROPHY 4 WITH VARIABLE FEATURES. Identifiers: Orphanet 261, MedGen C2751807, MONDO:0013071, OMIM 612998.
Autosomal recessive ataxia, Beauce type. Also called: SYNE1-Related Autosomal Recessive Cerebellar Ataxia; SYNE1 Deficiency; Spinocerebellar ataxia, autosomal recessive 8; ATAXIA, RECESSIVE, OF BEAUCE. Identifiers: Orphanet 88644, MedGen C1853116, MONDO:0012549, OMIM 610743.

Allele frequency attached by ClinVar (database versions not stated): TOPMed below 0.00001; gnomAD 0.00002.
gnomAD v4.1: 26 of 1,614,052 alleles (0.0016%); highest among the groups gnomAD compares: Non-Finnish European, 0.0021%; no homozygotes.

Submissions (2):

Athena Diagnostics
Classification: Uncertain significance. Last evaluated: 2022-06-17. Review status: criteria provided, single submitter. Criteria: Athena Diagnostics Criteria. Collection method: clinical testing. Allele origin: unknown.

Labcorp Genetics (formerly Invitae), Labcorp
Classification: Uncertain significance for Emery-Dreifuss muscular dystrophy 4, autosomal dominant; Autosomal recessive ataxia, Beauce type. Last evaluated: 2022-05-29. Review status: criteria provided, single submitter. Criteria: Invitae Variant Classification Sherloc (09022015). Collection method: clinical testing. Allele origin: germline.
Comment: This variant has not been reported in the literature in individuals affected with SYNE1-related conditions. In summary, the available evidence is currently insufficient to determine the role of this variant in disease. Therefore, it has been classified as a Variant of Uncertain Significance. Algorithms developed to predict the effect of missense changes on protein structure and function output the following: SIFT: "Tolerated"; PolyPhen-2: "Benign"; Align-GVGD: "Class C0". The alanine amino acid residue is found in multiple mammalian species, which suggests that this missense change does not adversely affect protein function. This variant is present in population databases (no rsID available, gnomAD 0.002%). This sequence change replaces serine, which is neutral and polar, with alanine, which is neutral and non-polar, at codon 2804 of the SYNE1 protein (p.Ser2804Ala).